The following is an entry in ClinVar:

ClinVar aggregate classification (germline): Uncertain significance. Review status: criteria provided, multiple submitters, no conflicts (2 of 4 stars). 3 submissions from 3 submitters: Uncertain significance (2). 1 of the submissions does not count toward it. Last evaluated 2026-02-04.

Conditions:
PKD1-related disorder. Also called: PKD1-related condition.
Polycystic kidney disease, adult type (PKD1). Also called: Polycystic Kidney Disease 1, Autosomal Dominant; Polycystic kidney disease 1; Polycystic kidney disease 1, severe; Polycystic Kidney, Autosomal Dominant; POLYCYSTIC KIDNEY DISEASE, ADULT, TYPE I; POLYCYSTIC KIDNEY DISEASE 1 WITH OR WITHOUT POLYCYSTIC LIVER DISEASE. Identifiers: MedGen C3149841, MONDO:0008263, OMIM 173900.

gnomAD v4.1: 5 of 1,608,952 alleles (0.00031%); highest among the groups gnomAD compares: Admixed American, 0.005%; no homozygotes.

Submissions (3):

Women's Health and Genetics/Laboratory Corporation of America, LabCorp
Classification: Uncertain significance. Last evaluated: 2026-02-04. Review status: criteria provided, single submitter. Criteria: LabCorp Variant Classification Summary - May 2015. Collection method: clinical testing. Allele origin: germline.
Comment: Variant summary: PKD1 c.3830C>T (p.Ala1277Val) results in a non-conservative amino acid change in the encoded protein sequence. Algorithms developed to predict the effect of missense changes on protein structure and function are either unavailable or do not agree on the potential impact of this missense change. The variant allele was found at a frequency of 8.5e-06 in 235020 control chromosomes. The available data on variant occurrences in the general population are insufficient to allow any conclusion about variant significance. To our knowledge, no occurrence of c.3830C>T in individuals affected with PKD1-related conditions and no experimental evidence demonstrating its impact on protein function have been reported. ClinVar contains an entry for this variant (Variation ID: 3354830). Based on the evidence outlined above, the variant was classified as uncertain significance.

Fulgent Genetics
Classification: Uncertain significance for Polycystic kidney disease, adult type. Last evaluated: 2024-06-24. Review status: criteria provided, single submitter. Criteria: ACMG Guidelines, 2015. Collection method: clinical testing. Allele origin: germline.

PreventionGenetics, part of Exact Sciences
Classification: Uncertain significance for PKD1-related condition. Last evaluated: 2024-08-29. Review status: no assertion criteria provided. Collection method: clinical testing. Allele origin: germline. Not counted in ClinVar's aggregate classification.
Comment: The PKD1 c.3830C>T variant is predicted to result in the amino acid substitution p.Ala1277Val. To our knowledge, this variant has not been reported in the literature. This variant is reported in 0.0059% of alleles in individuals of Latino descent in gnomAD. Of note, a different substitution at the same codon, defined as c.3829G>C (p.Ala1277Pro), has been reported as a variant of uncertain clinical significance in an individual with autosomal dominant polycystic kidney disease (ADPKD) (Orisio et al. 2024. PubMed ID: 37231942). At this time, the clinical significance of the c.3830C>T (p.Ala1277Val) variant is uncertain due to the absence of conclusive functional and genetic evidence.

NM_001009944.3(PKD1):c.3830C>T (p.Ala1277Val)

Gene: PKD1 (polycystin 1, transient receptor potential channel interacting; minus strand). Cytogenetic location: 16p13.3.
Variant type: single nucleotide variant.
Coding change: c.3830C>T on transcript NM_001009944.3 (MANE Select); coding-DNA position 3830, C replaced by T.
Protein change: p.Ala1277Val; replaces alanine 1277 with valine.
Molecular consequence: missense variant.
Genome position (GRCh38, 1-based): chr16:2,111,337, G>A on the plus strand (C>T on the coding strand, the complement: PKD1 is on the minus strand). VCF-style: chr16-2111337-G-A. GRCh37 (hg19) VCF-style: chr16-2161338-G-A.
Other names: c.3830C>T, p.Ala1277Val (NM_000296.4); short protein forms A1277V.
Identifiers: ClinVar variation 3354830 (VCV003354830.3).
Genomic context (GRCh38, chr16:2,111,337, plus strand): 5'-AGCACCTCCAGGACGAAGACCAGCACGTGCAGGCTCCGGGCCAGGTGGCCGGCGGGGCTG[G>A]CCGCACCCACGGTCACTGTGCAGTTCTGTGCCCGCAGGTACACATGCTCCACTGTTGCCT-3'
Protein context (NP_001009944.3, residues 1267-1287): AQNCTVTVGA[Ala1277Val]SPAGHLARSL